The following is an entry in ClinVar:

NM_022041.4(GAN):c.283-3T>A

Gene: GAN (gigaxonin; plus strand). Cytogenetic location: 16q23.2.
Variant type: single nucleotide variant.
Coding change: c.283-3T>A on transcript NM_022041.4 (MANE Select); 3 bases into the intron before coding-DNA position 283, T replaced by A.
Molecular consequence: intron variant.
Genome position (GRCh38, 1-based): chr16:81,354,402, T>A. VCF-style: chr16-81354402-T-A. GRCh37 (hg19) VCF-style: chr16-81388007-T-A.
Other names: c.-357-3T>A (NM_001377486.1).
Identifiers: ClinVar variation 945377 (VCV000945377.10), dbSNP rs1910414763, ClinGen allele CA1139664843.

ClinVar aggregate classification (germline): Uncertain significance. Review status: criteria provided, multiple submitters, no conflicts (2 of 4 stars). 2 submissions from 2 submitters: Uncertain significance (2). Last evaluated 2023-07-17.

Conditions:
Inborn genetic diseases. Identifiers: MedGen C0950123, MeSH D030342.
Giant axonal neuropathy 1 (GAN1). Also called: GIANT AXONAL NEUROPATHY 1, AUTOSOMAL RECESSIVE; GAN-Related Neurodegeneration. Identifiers: Orphanet 643, MedGen C1850386, MONDO:0009749, OMIM 256850.

Allele frequency attached by ClinVar (database versions not stated): gnomAD exomes below 0.00001.
gnomAD v4.1: 1 of 1,588,190 alleles (0.000063%); highest among the groups gnomAD compares: Non-Finnish European, 0.000086%; no homozygotes.

Submissions (2):

Labcorp Genetics (formerly Invitae), Labcorp
Classification: Uncertain significance for Giant axonal neuropathy 1. Last evaluated: 2023-07-17. Review status: criteria provided, single submitter. Criteria: Invitae Variant Classification Sherloc (09022015). Collection method: clinical testing. Allele origin: germline.
Comment: This variant is not present in population databases (gnomAD no frequency). This sequence change falls in intron 2 of the GAN gene. It does not directly change the encoded amino acid sequence of the GAN protein. It affects a nucleotide within the consensus splice site. In summary, the available evidence is currently insufficient to determine the role of this variant in disease. Therefore, it has been classified as a Variant of Uncertain Significance. Variants that disrupt the consensus splice site are a relatively common cause of aberrant splicing (PMID: 17576681, 9536098). Algorithms developed to predict the effect of sequence changes on RNA splicing suggest that this variant may disrupt the consensus splice site. ClinVar contains an entry for this variant (Variation ID: 945377). This variant has not been reported in the literature in individuals affected with GAN-related conditions.

Ambry Genetics
Classification: Uncertain significance for Inborn genetic diseases. Last evaluated: 2022-12-23. Review status: criteria provided, single submitter. Criteria: Ambry Variant Classification Scheme 2023. Collection method: clinical testing. Allele origin: germline.
Comment: The c.283-3T>A intronic alteration consists of a T to A substitution 3 nucleotides before coding exon 3 in the GAN gene. Based on insufficient or conflicting evidence, the clinical significance of this alteration remains unclear.

Literature cited by the submitters: PubMed 17576681 (cited by Labcorp Genetics (formerly Invitae), Labcorp); PubMed 9536098 (cited by Labcorp Genetics (formerly Invitae), Labcorp).